The following is an entry in ClinVar:

NM_004104.5(FASN):c.5392G>A (p.Ala1798Thr)

Gene: FASN (fatty acid synthase; minus strand). Cytogenetic location: 17q25.3.
Variant type: single nucleotide variant.
Coding change: c.5392G>A on transcript NM_004104.5 (MANE Select); coding-DNA position 5392, G replaced by A.
Protein change: p.Ala1798Thr; replaces alanine 1798 with threonine.
Molecular consequence: missense variant.
Genome position (GRCh38, 1-based): chr17:82,083,375, C>T on the plus strand (G>A on the coding strand, the complement: FASN is on the minus strand). VCF-style: chr17-82083375-C-T. GRCh37 (hg19) VCF-style: chr17-80041251-C-T.
Other names: short protein forms A1798T.
Identifiers: ClinVar variation 2738720 (VCV002738720.3), dbSNP rs2034027102, ClinGen allele CA401538535.

ClinVar aggregate classification (germline): Uncertain significance (1 of 4 stars; one submission).

Conditions:
Epileptic encephalopathy. Identifiers: MedGen C0543888, HP:0200134.

Allele frequency attached by ClinVar (database versions not stated): gnomAD 0.00001.
gnomAD v4.1: 1 of 1,612,756 alleles (0.000062%); highest among the groups gnomAD compares: Admixed American, 0.0017%; no homozygotes.

Submission:

Labcorp Genetics (formerly Invitae), Labcorp
Classification: Uncertain significance for Epileptic encephalopathy. Last evaluated: 2023-02-20. Review status: criteria provided, single submitter. Criteria: Invitae Variant Classification Sherloc (09022015). Collection method: clinical testing. Allele origin: germline.
Comment: This sequence change replaces alanine, which is neutral and non-polar, with threonine, which is neutral and polar, at codon 1798 of the FASN protein (p.Ala1798Thr). This variant is not present in population databases (gnomAD no frequency). This variant has not been reported in the literature in individuals affected with FASN-related conditions. An algorithm developed to predict the effect of missense changes on protein structure and function (PolyPhen-2) suggests that this variant is likely to be disruptive. In summary, the available evidence is currently insufficient to determine the role of this variant in disease. Therefore, it has been classified as a Variant of Uncertain Significance.